The following is an entry in ClinVar:

ClinVar aggregate classification (germline): Uncertain significance (1 of 4 stars; one submission).

Conditions:
Neurofibromatosis, type 1 (NF1). Also called: Neurofibromatosis, type I; Peripheral type neurofibromatosis; VON RECKLINGHAUSEN DISEASE; NEUROFIBROMATOSIS, TYPE I, SOMATIC. Identifiers: Orphanet 636, MedGen C0027831, MONDO:0018975, OMIM 162200. Disease mechanism: loss of function.

Submission:

Labcorp Genetics (formerly Invitae), Labcorp
Classification: Uncertain significance for Neurofibromatosis, type 1. Last evaluated: 2021-12-09. Review status: criteria provided, single submitter. Criteria: Invitae Variant Classification Sherloc (09022015). Collection method: clinical testing. Allele origin: germline.
Comment: This sequence change replaces aspartic acid, which is acidic and polar, with asparagine, which is neutral and polar, at codon 424 of the NF1 protein (p.Asp424Asn). This variant is not present in population databases (gnomAD no frequency). This variant has not been reported in the literature in individuals affected with NF1-related conditions. ClinVar contains an entry for this variant (Variation ID: 965007). Algorithms developed to predict the effect of missense changes on protein structure and function are either unavailable or do not agree on the potential impact of this missense change (SIFT: "Tolerated"; PolyPhen-2: "Probably Damaging"; Align-GVGD: "Class C0"). In summary, the available evidence is currently insufficient to determine the role of this variant in disease. Therefore, it has been classified as a Variant of Uncertain Significance.

NM_001042492.3(NF1):c.1270G>A (p.Asp424Asn)

Gene: NF1 (neurofibromin 1; plus strand). Cytogenetic location: 17q11.2.
Variant type: single nucleotide variant.
Coding change: c.1270G>A on transcript NM_001042492.3 (MANE Select); coding-DNA position 1270, G replaced by A.
Protein change: p.Asp424Asn; replaces aspartic acid 424 with asparagine.
Molecular consequence: missense variant.
Genome position (GRCh38, 1-based): chr17:31,206,249, G>A. VCF-style: chr17-31206249-G-A. GRCh37 (hg19) VCF-style: chr17-29533267-G-A.
Other names: c.1270G>A, p.Asp424Asn (NM_000267.4, NM_001128147.3); short protein forms D424N.
Identifiers: ClinVar variation 965007 (VCV000965007.7), dbSNP rs2066619067, ClinGen allele CA398999087.